The following is an entry in ClinVar:

ClinVar aggregate classification (germline): Pathogenic. Review status: criteria provided, multiple submitters, no conflicts (2 of 4 stars). 3 submissions from 3 submitters: Pathogenic (3). Last evaluated 2025-12-02.

Conditions:
Ectopia lentis et pupillae. Also called: ECTOPIA LENTIS WITH ECTOPIA OF PUPIL. Identifiers: Orphanet 1885, MedGen C1644196, MONDO:0009153, OMIM 225200.

Allele frequency attached by ClinVar (database versions not stated): gnomAD exomes below 0.00001; gnomAD 0.00001; TOPMed 0.00001; ExAC 0.00002; ESP Exome Variant Server 0.00008.
gnomAD v4.1: 3 of 1,613,324 alleles (0.00019%); highest among the groups gnomAD compares: African/African-American, 0.0027%; no homozygotes.

Submissions (3):

Clinical Genetics Laboratory, University Hospital Schleswig-Holstein
Classification: Pathogenic for Ectopia lentis et pupillae. Last evaluated: 2025-12-02. Review status: criteria provided, single submitter. Criteria: ACMG Guidelines, 2015. Collection method: clinical testing. Allele origin: paternal. Affected: yes. Observed: 1 compound heterozygote.
Comment: ACMG criteria applied: PM2, PVS1, PM3

Labcorp Genetics (formerly Invitae), Labcorp
Classification: Pathogenic. Last evaluated: 2024-06-08. Review status: criteria provided, single submitter. Criteria: Invitae Variant Classification Sherloc (09022015). Collection method: clinical testing. Allele origin: germline.
Comment: This sequence change creates a premature translational stop signal (p.Trp792*) in the ADAMTSL4 gene. It is expected to result in an absent or disrupted protein product. Loss-of-function variants in ADAMTSL4 are known to be pathogenic (PMID: 20564469, 28642162). This variant is present in population databases (rs377384434, gnomAD 0.008%). This variant has not been reported in the literature in individuals affected with ADAMTSL4-related conditions. ClinVar contains an entry for this variant (Variation ID: 489012). For these reasons, this variant has been classified as Pathogenic.

GeneDx
Classification: Pathogenic. Last evaluated: 2017-06-29. Review status: criteria provided, single submitter. Criteria: GeneDx Variant Classification (06012015). Collection method: clinical testing. Allele origin: germline. Affected: yes.
Comment: The W792X variant in the ADAMTSL4 gene has not been reported previously as a pathogenic variant nor as a benign variant, to our knowledge. This variant is predicted to cause loss of normal protein function either through protein truncation or nonsense-mediated mRNA decay. The W792X variant is not observed at a significant frequency in large population cohorts (Lek et al., 2016; 1000 Genomes Consortium et al., 2015; Exome Variant Server). We interpret W792X as a pathogenic variant.

Literature cited by the submitters: PubMed 20564469 (cited by Labcorp Genetics (formerly Invitae), Labcorp); PubMed 28642162 (cited by Labcorp Genetics (formerly Invitae), Labcorp).

NM_019032.6(ADAMTSL4):c.2375G>A (p.Trp792Ter)

Gene: ADAMTSL4 (ADAMTS like 4; plus strand). Cytogenetic location: 1q21.2.
Variant type: single nucleotide variant.
Coding change: c.2375G>A on transcript NM_019032.6 (MANE Select); coding-DNA position 2375, G replaced by A.
Protein change: p.Trp792Ter; replaces tryptophan 792 with a stop codon.
Molecular consequence: nonsense.
Genome position (GRCh38, 1-based): chr1:150,558,142, G>A. VCF-style: chr1-150558142-G-A. GRCh37 (hg19) VCF-style: chr1-150530618-G-A.
Other names: c.2258G>A, p.Trp753Ter (NM_001288607.2); c.2444G>A, p.Trp815Ter (NM_001288608.2); c.2375G>A, p.Trp792Ter (NM_001378596.1, NM_025008.5); short protein forms W792*, W753*, W815*.
Identifiers: ClinVar variation 489012 (VCV000489012.6), dbSNP rs377384434, ClinGen allele CA1078632.